The following is an entry in ClinVar:

ClinVar aggregate classification (germline): Likely benign. Review status: criteria provided, multiple submitters, no conflicts (2 of 4 stars). 2 submissions from 2 submitters: Likely benign (2). Last evaluated 2026-01-15.

Conditions:
Frontotemporal dementia and/or amyotrophic lateral sclerosis 4. Also called: FTDALS4. Identifiers: Orphanet 275872, MedGen C4225325, MONDO:0014641, OMIM 616439.

Allele frequency attached by ClinVar (database versions not stated): gnomAD exomes 0.00005 and 0.00001; ExAC 0.00002; gnomAD 0.00013 and 0.00014; TOPMed 0.00002.
gnomAD v4.1: 38 of 1,609,710 alleles (0.0024%); highest among the groups gnomAD compares: Admixed American, 0.051%; no homozygotes.

Submissions (2):

Labcorp Genetics (formerly Invitae), Labcorp
Classification: Likely benign for Frontotemporal dementia and/or amyotrophic lateral sclerosis 4. Last evaluated: 2026-01-15. Review status: criteria provided, single submitter. Criteria: Invitae Variant Classification Sherloc (09022015). Collection method: clinical testing. Allele origin: germline.

Mayo Clinic Laboratories, Mayo Clinic
Classification: Likely benign. Last evaluated: 2025-09-10. Review status: criteria provided, single submitter. Criteria: ACMG Guidelines, 2015. Collection method: clinical testing. Allele origin: germline. Observed: 1 variant allele.
Comment: BS2, BP4_moderate

NM_013254.4(TBK1):c.1659A>C (p.Gln553His)

Gene: TBK1 (TANK binding kinase 1; plus strand). Cytogenetic location: 12q14.2.
Variant type: single nucleotide variant.
Coding change: c.1659A>C on transcript NM_013254.4 (MANE Select); coding-DNA position 1659, A replaced by C.
Protein change: p.Gln553His; replaces glutamine 553 with histidine.
Molecular consequence: missense variant.
Genome position (GRCh38, 1-based): chr12:64,495,714, A>C. VCF-style: chr12-64495714-A-C. GRCh37 (hg19) VCF-style: chr12-64889494-A-C.
Other names: p.Gln553His; short protein forms Q553H.
Identifiers: ClinVar variation 855734 (VCV000855734.8), dbSNP rs772256797, ClinGen allele CA6669129.